The following is an entry in ClinVar:

ClinVar aggregate classification (germline): Uncertain significance. Review status: criteria provided, single submitter (1 of 4 stars). 2 submissions from 2 submitters: Uncertain significance (1). 1 of the submissions does not count toward it. Last evaluated 2025-01-10.

Conditions:
Neuronopathy, distal hereditary motor, type 7B. Also called: NEURONOPATHY, DISTAL HEREDITARY MOTOR, AUTOSOMAL DOMINANT 14; NEURONOPATHY, DISTAL HEREDITARY MOTOR, HARDING TYPE VIIB; NEUROPATHY, DISTAL HEREDITARY MOTOR, HARDING TYPE VIIB; NEUROPATHY, DISTAL HEREDITARY MOTOR, WITH VOCAL CORD PARALYSIS, HARDING TYPE VIIB; HMN VIIB; LOWER MOTOR NEURON DISEASE, DYNACTIN TYPE. Identifiers: Orphanet 139589, MedGen C1843315, MONDO:0011879, OMIM 607641.
Amyotrophic lateral sclerosis type 1 (ALS1). Also called: AMYOTROPHIC LATERAL SCLEROSIS 1, FAMILIAL. Identifiers: Orphanet 803, MedGen C1862939, MONDO:0007103, OMIM 105400.
Perry syndrome. Also called: PARKINSONISM WITH ALVEOLAR HYPOVENTILATION AND MENTAL DEPRESSION. Identifiers: Orphanet 178509, MedGen C1868594, MONDO:0008201, OMIM 168605.

Submissions (2):

Labcorp Genetics (formerly Invitae), Labcorp
Classification: Uncertain significance for Amyotrophic lateral sclerosis type 1; Neuronopathy, distal hereditary motor, type 7B; Perry syndrome. Last evaluated: 2025-01-10. Review status: criteria provided, single submitter. Criteria: Invitae Variant Classification Sherloc (09022015). Collection method: clinical testing. Allele origin: germline.
Comment: This sequence change replaces threonine, which is neutral and polar, with proline, which is neutral and non-polar, at codon 72 of the DCTN1 protein (p.Thr72Pro). This variant is not present in population databases (gnomAD no frequency). This missense change has been observed in individual(s) with clinical features of Perry syndrome (PMID: 19136952, 24797316). It has also been observed to segregate with disease in related individuals. ClinVar contains an entry for this variant (Variation ID: 2664466). Invitae Evidence Modeling of protein sequence and biophysical properties (such as structural, functional, and spatial information, amino acid conservation, physicochemical variation, residue mobility, and thermodynamic stability) has been performed for this missense variant. However, the output from this modeling did not meet the statistical confidence thresholds required to predict the impact of this variant on DCTN1 protein function. Experimental studies have shown that this missense change affects DCTN1 function (PMID: 20518521). In summary, the available evidence is currently insufficient to determine the role of this variant in disease. Therefore, it has been classified as a Variant of Uncertain Significance.

Inherited Neuropathy Consortium Ii, University Of Miami
Classification: Uncertain significance for Perry syndrome. Last evaluated: 2016-01-06. Review status: no assertion criteria provided. Collection method: literature only. Allele origin: germline. Affected: yes. Not counted in ClinVar's aggregate classification.

Literature cited by the submitters: PubMed 19136952 (cited by Labcorp Genetics (formerly Invitae), Labcorp and Inherited Neuropathy Consortium Ii, University Of Miami); PubMed 24797316 (cited by Labcorp Genetics (formerly Invitae), Labcorp); PubMed 20518521 (cited by Labcorp Genetics (formerly Invitae), Labcorp).

NM_004082.5(DCTN1):c.214A>C (p.Thr72Pro)

Gene: DCTN1 (dynactin subunit 1; minus strand). Cytogenetic location: 2p13.1.
Variant type: single nucleotide variant.
Coding change: c.214A>C on transcript NM_004082.5 (MANE Select); coding-DNA position 214, A replaced by C.
Protein change: p.Thr72Pro; replaces threonine 72 with proline.
Molecular consequence: missense variant. On other transcripts: non-coding transcript variant (1).
Genome position (GRCh38, 1-based): chr2:74,378,065, T>G on the plus strand (A>C on the coding strand, the complement: DCTN1 is on the minus strand). VCF-style: chr2-74378065-T-G. GRCh37 (hg19) VCF-style: chr2-74605192-T-G.
Other names: c.214A>C, p.Thr72Pro (NM_001135040.3, NM_001190837.2); c.163A>C, p.Thr55Pro (NM_001190836.2, NM_001378991.1, NM_001378992.1); short protein forms T72P, T55P.
Identifiers: ClinVar variation 2664466 (VCV002664466.3), dbSNP rs72466486, ClinGen allele CA342009.